The following is an entry in ClinVar:

NM_001430.5(EPAS1):c.2472C>G (p.Ser824Arg)

Gene: EPAS1 (endothelial PAS domain protein 1; plus strand). Cytogenetic location: 2p21.
Variant type: single nucleotide variant.
Coding change: c.2472C>G on transcript NM_001430.5 (MANE Select); coding-DNA position 2472, C replaced by G.
Protein change: p.Ser824Arg; replaces serine 824 with arginine.
Molecular consequence: missense variant.
Genome position (GRCh38, 1-based): chr2:46,384,519, C>G. VCF-style: chr2-46384519-C-G. GRCh37 (hg19) VCF-style: chr2-46611658-C-G.
Other names: short protein forms S824R.
Identifiers: ClinVar variation 1791795 (VCV001791795.2), dbSNP rs1684967432, ClinGen allele CA346706952.

ClinVar aggregate classification (germline): Uncertain significance (1 of 4 stars; one submission).

Conditions:
Inborn genetic diseases. Identifiers: MedGen C0950123, MeSH D030342.

Submission:

Ambry Genetics
Classification: Uncertain significance for Inborn genetic diseases. Last evaluated: 2022-04-12. Review status: criteria provided, single submitter. Criteria: Ambry Variant Classification Scheme 2023. Collection method: clinical testing. Allele origin: germline.
Comment: The p.S824R variant (also known as c.2472C>G), located in coding exon 16 of the EPAS1 gene, results from a C to G substitution at nucleotide position 2472. The serine at codon 824 is replaced by arginine, an amino acid with dissimilar properties. This amino acid position is conserved. In addition, the in silico prediction for this alteration is inconclusive. Since supporting evidence is limited at this time, the clinical significance of this alteration remains unclear.